The following is an entry in ClinVar:

ClinVar aggregate classification (germline): Uncertain significance (1 of 4 stars; one submission).

Conditions:
Neuropathy, hereditary sensory and autonomic, type 2A (HSAN2A). Also called: MORVAN DISEASE; NEUROPATHY, CONGENITAL SENSORY; NEUROPATHY, HEREDITARY SENSORY RADICULAR, AUTOSOMAL RECESSIVE; NEUROPATHY, HEREDITARY SENSORY, TYPE IIA; NEUROPATHY, PROGRESSIVE SENSORY, OF CHILDREN; ACROOSTEOLYSIS, GIACCAI TYPE. Identifiers: Orphanet 970, MedGen C2752089, MONDO:0024309, OMIM 201300.
Pseudohypoaldosteronism type 2C (PHA2C). Also called: Pseudohypoaldosteronism Type IIC. Identifiers: Orphanet 757, Orphanet 88940, MedGen C1840391, MONDO:0013778, OMIM 614492.

gnomAD v4.1: 1 of 1,614,088 alleles (0.000062%); highest among the groups gnomAD compares: Non-Finnish European, 0.000085%; no homozygotes.

Submission:

Labcorp Genetics (formerly Invitae), Labcorp
Classification: Uncertain significance for Neuropathy, hereditary sensory and autonomic, type 2A; Pseudohypoaldosteronism type 2C. Last evaluated: 2022-09-23. Review status: criteria provided, single submitter. Criteria: Invitae Variant Classification Sherloc (09022015). Collection method: clinical testing. Allele origin: germline.
Comment: Advanced modeling of protein sequence and biophysical properties (such as structural, functional, and spatial information, amino acid conservation, physicochemical variation, residue mobility, and thermodynamic stability) performed at Invitae indicates that this missense variant is not expected to disrupt WNK1 protein function. In summary, the available evidence is currently insufficient to determine the role of this variant in disease. Therefore, it has been classified as a Variant of Uncertain Significance. This sequence change replaces threonine, which is neutral and polar, with isoleucine, which is neutral and non-polar, at codon 1748 of the WNK1 protein (p.Thr1748Ile). This variant is not present in population databases (gnomAD no frequency). This variant has not been reported in the literature in individuals affected with WNK1-related conditions.

NM_018979.4(WNK1):c.4487C>T (p.Thr1496Ile)

Gene: WNK1 (WNK lysine deficient protein kinase 1; plus strand). Cytogenetic location: 12p13.33.
Variant type: single nucleotide variant.
Coding change: c.4487C>T on transcript NM_018979.4 (MANE Select); coding-DNA position 4487, C replaced by T.
Protein change: p.Thr1496Ile; replaces threonine 1496 with isoleucine.
Molecular consequence: missense variant.
Genome position (GRCh38, 1-based): chr12:885,291, C>T. VCF-style: chr12-885291-C-T. GRCh37 (hg19) VCF-style: chr12-994457-C-T.
Other names: c.5267C>T, p.Thr1756Ile (NM_001184985.2); c.3746C>T, p.Thr1249Ile (NM_014823.3); c.5243C>T, p.Thr1748Ile (NM_213655.5); short protein forms T1249I, T1496I, T1748I, T1756I.
Identifiers: ClinVar variation 1720160 (VCV001720160.5), dbSNP rs763829194, ClinGen allele CA383331321.
Genomic context (GRCh38, chr12:885,291, plus strand): 5'-CTCAGCAGGCAGCAGGCAGCACTACTGTGGGAGCCACATTAACATCAGTTTCTACCACCA[C>T]TTCATTCCCAAGCACAGCTTCACAGCTGTGCATTCAGCTTAGCAGCAGTACTTCTACTCC-3'
Protein context (NP_061852.3, residues 1486-1506): GATLTSVSTT[Thr1496Ile]SFPSTASQLC